The following is an entry in ClinVar:

ClinVar aggregate classification (germline): Uncertain significance. Review status: criteria provided, multiple submitters, no conflicts (2 of 4 stars). 3 submissions from 3 submitters: Uncertain significance (3). Last evaluated 2024-05-30.

Conditions:
TP63-Related Spectrum Disorders.
Ankyloblepharon-ectodermal defects-cleft lip/palate syndrome. Also called: Ankyloblepharon-Ectodermal Defects-Cleft Lip/Palate Syndrome (AEC Syndrome); Hay-Wells syndrome of ectodermal dysplasia; AEC SYNDROME; HAY-WELLS SYNDROME; Ankyloblepharon-ectodermal defects, cleft lip/palate. Identifiers: Orphanet 1071, MedGen C0406709, MONDO:0007124, OMIM 106260.
Rapp-Hodgkin syndrome (RHS). Also called: ECTODERMAL DYSPLASIA, ANHIDROTIC, WITH CLEFT LIP/PALATE; Rapp-Hodgkin ectodermal dysplasia syndrome; Isolated Cleft Lip/Cleft Palate (Orofacial Cleft 8). Identifiers: MedGen C1785148, MONDO:0007508, OMIM 129400.
Limb-mammary syndrome (LMS). Also called: Mammary hypoplasia, ectrodactyly, and other hand/foot anomalies. Identifiers: Orphanet 69085, MedGen C1863753, MONDO:0011334, OMIM 603543.
Orofacial cleft 8. Also called: Cleft lip with or without cleft palate, nonsyndromic, 8. Identifiers: MedGen C1851878, MONDO:0029145, OMIM 618149.
Premature ovarian failure 21 (POF21). Identifiers: MedGen C5830399, MONDO:0957216, OMIM 620311.
Ectrodactyly, ectodermal dysplasia, and cleft lip-palate syndrome 3. Also called: Ectrodactyly, Ectodermal Dysplasia, Cleft Lip/Palate Syndrome 3 (EEC3); Ectrodactyly, Ectodermal Dysplasia, Clefting Syndrome; EEC SYNDROME 3; Ectrodactyly, Ectodermal Dysplasia, Clefting Syndrome Type 3 (EEC3). Identifiers: Orphanet 1896, MedGen C1858562, MONDO:0011428, OMIM 604292.
ADULT syndrome. Also called: Acro-dermato-ungual-lacrimal-tooth (adult) syndrome; ACRO-DERMATO-UNGUAL-LACRIMAL-TOOTH SYNDROME; Acro-Dermo-Ungual-Lacrimal-Tooth Syndrome (ADULT Syndrome). Identifiers: Orphanet 978, MedGen C1863204, MONDO:0007072, OMIM 103285.
Split hand-foot malformation 4. Also called: Split-Hand/Foot Malformation Type 4 (SHFM4); Split-Hand/Foot Malformation Type 4 (SHFM4 syndrome). Identifiers: Orphanet 2440, MedGen C1854442, MONDO:0011535, OMIM 605289.

Allele frequency attached by ClinVar (database versions not stated): TOPMed 0.00008; gnomAD exomes 0.00002; gnomAD 0.00007; ESP Exome Variant Server 0.00008; ExAC 0.00001.

Submissions (3):

Fulgent Genetics
Classification: Uncertain significance for ADULT syndrome; Ankyloblepharon-ectodermal defects-cleft lip/palate syndrome; Rapp-Hodgkin syndrome; Limb-mammary syndrome; Ectrodactyly, ectodermal dysplasia, and cleft lip-palate syndrome 3; Split hand-foot malformation 4; Orofacial cleft 8; Premature ovarian failure 21. Last evaluated: 2024-05-30. Review status: criteria provided, single submitter. Criteria: ACMG Guidelines, 2015. Collection method: clinical testing. Allele origin: germline.

Labcorp Genetics (formerly Invitae), Labcorp
Classification: Uncertain significance. Last evaluated: 2023-11-24. Review status: criteria provided, single submitter. Criteria: Invitae Variant Classification Sherloc (09022015). Collection method: clinical testing. Allele origin: germline.
Comment: This sequence change replaces arginine, which is basic and polar, with tryptophan, which is neutral and slightly polar, at codon 7 of the TP63 protein (p.Arg7Trp). This variant is present in population databases (rs376627647, gnomAD 0.007%). This variant has not been reported in the literature in individuals affected with TP63-related conditions. ClinVar contains an entry for this variant (Variation ID: 2412940). Advanced modeling of protein sequence and biophysical properties (such as structural, functional, and spatial information, amino acid conservation, physicochemical variation, residue mobility, and thermodynamic stability) has been performed at Invitae for this missense variant, however the output from this modeling did not meet the statistical confidence thresholds required to predict the impact of this variant on TP63 protein function. In summary, the available evidence is currently insufficient to determine the role of this variant in disease. Therefore, it has been classified as a Variant of Uncertain Significance.

GeneDx
Classification: Uncertain significance. Last evaluated: 2022-07-26. Review status: criteria provided, single submitter. Criteria: GeneDx Variant Classification Process June 2021. Collection method: clinical testing. Allele origin: germline. Affected: yes.
Comment: In silico analysis supports that this missense variant does not alter protein structure/function; Has not been previously published as pathogenic or benign to our knowledge; This variant is associated with the following publications: (PMID: 12037717)

NM_003722.5(TP63):c.19C>T (p.Arg7Trp)

Gene: TP63 (tumor protein p63; plus strand). Cytogenetic location: 3q28.
Variant type: single nucleotide variant.
Coding change: c.19C>T on transcript NM_003722.5 (MANE Select); coding-DNA position 19, C replaced by T.
Protein change: p.Arg7Trp; replaces arginine 7 with tryptophan.
Molecular consequence: missense variant. On other transcripts: intron variant (1).
Genome position (GRCh38, 1-based): chr3:189,631,534, C>T. VCF-style: chr3-189631534-C-T. GRCh37 (hg19) VCF-style: chr3-189349323-C-T.
Other names: c.19C>T, p.Arg7Trp (NM_001114978.2, NM_001114979.2, NM_001329144.2 and 1 more transcripts); c.56+34296C>T (NM_001329964.2); short protein forms R7W.
Identifiers: ClinVar variation 2412940 (VCV002412940.6), dbSNP rs376627647, ClinGen allele CA2751992.